The following is an entry in ClinVar:

NM_005154.5(USP8):c.1942G>A (p.Val648Ile)

Gene: USP8 (ubiquitin specific peptidase 8; plus strand). Cytogenetic location: 15q21.2.
Variant type: single nucleotide variant.
Coding change: c.1942G>A on transcript NM_005154.5 (MANE Select); coding-DNA position 1942, G replaced by A.
Protein change: p.Val648Ile; replaces valine 648 with isoleucine.
Molecular consequence: missense variant.
Genome position (GRCh38, 1-based): chr15:50,489,852, G>A. VCF-style: chr15-50489852-G-A. GRCh37 (hg19) VCF-style: chr15-50782049-G-A.
Other names: c.1942G>A, p.Val648Ile (NM_001128610.3); c.1624G>A, p.Val542Ile (NM_001283049.2); short protein forms V542I, V648I.
Identifiers: ClinVar variation 4812038 (VCV004812038.1).

ClinVar aggregate classification (germline): Uncertain significance (1 of 4 stars; one submission).

Conditions:
Hereditary spastic paraplegia. Also called: Familial spastic paraparesis. Identifiers: Orphanet 685, MedGen C0037773, MONDO:0019064. Disease mechanism: loss of function.

gnomAD v4.1: 42 of 1,583,464 alleles (0.0027%); highest among the groups gnomAD compares: East Asian, 0.0093%; no homozygotes.

Submission:

Labcorp Genetics (formerly Invitae), Labcorp
Classification: Uncertain significance for Hereditary spastic paraplegia. Last evaluated: 2025-10-21. Review status: criteria provided, single submitter. Criteria: Invitae Variant Classification Sherloc (09022015). Collection method: clinical testing. Allele origin: germline.
Comment: This sequence change replaces valine, which is neutral and non-polar, with isoleucine, which is neutral and non-polar, at codon 648 of the USP8 protein (p.Val648Ile). This variant is present in population databases (rs375429027, gnomAD 0.03%). This variant has not been reported in the literature in individuals affected with USP8-related conditions. An algorithm developed to predict the effect of missense changes on protein structure and function (PolyPhen-2) suggests that this variant is likely to be disruptive. In summary, the available evidence is currently insufficient to determine the role of this variant in disease. Therefore, it has been classified as a Variant of Uncertain Significance.